The following is an entry in ClinVar:

NM_020765.3(UBR4):c.8132G>A (p.Arg2711Gln)

Gene: UBR4 (ubiquitin protein ligase E3 component n-recognin 4; minus strand). Cytogenetic location: 1p36.13.
Variant type: single nucleotide variant.
Coding change: c.8132G>A on transcript NM_020765.3 (MANE Select); coding-DNA position 8132, G replaced by A.
Protein change: p.Arg2711Gln; replaces arginine 2711 with glutamine.
Molecular consequence: missense variant.
Genome position (GRCh38, 1-based): chr1:19,144,027, C>T on the plus strand (G>A on the coding strand, the complement: UBR4 is on the minus strand). VCF-style: chr1-19144027-C-T. GRCh37 (hg19) VCF-style: chr1-19470521-C-T.
Other names: short protein forms R2711Q.
Identifiers: ClinVar variation 3346441 (VCV003346441.1).

ClinVar aggregate classification (germline): Uncertain significance (0 of 4 stars; one submission).

Conditions:
UBR4-related disorder. Also called: UBR4-related condition.

gnomAD v4.1: 17 of 1,613,952 alleles (0.0011%); highest among the groups gnomAD compares: African/African-American, 0.0053%; no homozygotes.

Submission:

PreventionGenetics, part of Exact Sciences
Classification: Uncertain significance for UBR4-related condition. Last evaluated: 2024-05-17. Review status: no assertion criteria provided. Collection method: clinical testing. Allele origin: germline.
Comment: The UBR4 c.8132G>A variant is predicted to result in the amino acid substitution p.Arg2711Gln. To our knowledge, this variant has not been reported in the literature. This variant is reported in 0.0050% of alleles in individuals of East Asian descent in gnomAD. At this time, the clinical significance of this variant is uncertain due to the absence of conclusive functional and genetic evidence.